The following is an entry in ClinVar:

ClinVar aggregate classification (germline): Likely benign (1 of 4 stars; one submission).

Allele frequency attached by ClinVar (database versions not stated): gnomAD exomes 0.00002; ExAC 0.00004; gnomAD 0.00007.
gnomAD v4.1: 33 of 1,540,832 alleles (0.0021%); highest among the groups gnomAD compares: African/African-American, 0.02%; 3 homozygotes.

Submission:

CeGaT Center for Human Genetics Tuebingen
Classification: Likely benign. Last evaluated: 2022-04-01. Review status: criteria provided, single submitter. Criteria: CeGaT Center For Human Genetics Tuebingen Variant Classification Criteria Version 2. Collection method: clinical testing. Allele origin: germline. Affected: yes. Observed: 1 variant allele.
Comment: LILRA6: BP4, BP7; LILRB3: BP4, BP7

NM_006864.4(LILRB3):c.1096C>T (p.Leu366=)

Genes: LILRB3 (leukocyte immunoglobulin like receptor B3; minus strand), LILRA6 (leukocyte immunoglobulin like receptor A6; minus strand). Cytogenetic location: 19q13.42.
Variant type: single nucleotide variant.
Coding change: c.1096C>T on transcript NM_006864.4 (MANE Select); coding-DNA position 1096, C replaced by T.
Protein change: p.Leu366=; no amino-acid change (leucine 366 retained).
Molecular consequence: synonymous variant. On other transcripts: non-coding transcript variant (4).
Genome position (GRCh38, 1-based): chr19:54,220,690, G>A on the plus strand (C>T on the coding strand, the complement: LILRB3 is on the minus strand). VCF-style: chr19-54220690-G-A. GRCh37 (hg19) VCF-style: chr19-54724560-G-A.
Other names: c.1096C>T, p.Leu366= (NM_001081450.3, NM_001320960.2).
Identifiers: ClinVar variation 2650428 (VCV002650428.24), dbSNP rs751294272, ClinGen allele CA309400943.
Genomic context (GRCh38, chr19:54,220,690, plus strand): 5'-CAGGACTCATGGGGAATTCAGCCTGGTACTTATGAGCTCCGTACATTGATCTCAGACGCA[G>A]TGGGGGATGGGCTGCCCCTTCTTTGGTCAGAAGGAAAGTGTCAAAATACCCCCGTGACTG-3'
Protein context (NP_006855.3, residues 356-376): LTKEGAAHPP[Leu366=]RLRSMYGAHK